The following is an entry in ClinVar:

NM_005051.3(QARS1):c.117+1G>T

Genes: QARS1 (glutaminyl-tRNA synthetase 1; minus strand), LOC129936736 (ATAC-STARR-seq lymphoblastoid active region 19853; plus strand). Cytogenetic location: 3p21.31.
Variant type: single nucleotide variant.
Coding change: c.117+1G>T on transcript NM_005051.3 (MANE Select); the canonical splice donor site of the intron after coding-DNA position 117, G replaced by T.
Molecular consequence: splice donor variant.
Genome position (GRCh38, 1-based): chr3:49,104,616, C>A on the plus strand (G>T on the coding strand, the complement: QARS1 is on the minus strand). VCF-style: chr3-49104616-C-A. GRCh37 (hg19) VCF-style: chr3-49142049-C-A.
Other names: c.117+1G>T (NM_001272073.2).
Identifiers: ClinVar variation 2443231 (VCV002443231.2), dbSNP rs998353408, ClinGen allele CA74482095.

ClinVar aggregate classification (germline): Likely pathogenic (0 of 4 stars; one submission).

Allele frequency attached by ClinVar (database versions not stated): gnomAD exomes below 0.00001; TOPMed below 0.00001; gnomAD 0.00001.

Submission:

Genetic Services Laboratory, University of Chicago
Classification: Likely pathogenic. Last evaluated: 2022-03-18. Review status: no assertion criteria provided. Collection method: clinical testing. Allele origin: germline. Affected: yes.
Comment: DNA sequence analysis of the QARS1 gene demonstrated a sequence change in the canonical splice donor site of intron1, c.117+1G>T. This sequence change does not appear to have been previously described in individuals with QARS-related disorders; however, loss-of-function variants in QARS have been reported to be pathogenic (PMID: 24656866, 25471517). This sequence change has not been described in population databases such as ExAC and gnomAD. This sequence change is predicted to affect normal splicing of the QARS gene and result in an abnormal protein, however functional studies have not been performed to prove this conclusively.